The following is an entry in ClinVar:

ClinVar aggregate classification (germline): Uncertain significance (1 of 4 stars; one submission).

gnomAD v4.1: 2 of 1,614,072 alleles (0.00012%); highest among the groups gnomAD compares: Non-Finnish European, 0.00017%; no homozygotes.

Submission:

Labcorp Genetics (formerly Invitae), Labcorp
Classification: Uncertain significance. Last evaluated: 2022-08-13. Review status: criteria provided, single submitter. Criteria: Invitae Variant Classification Sherloc (09022015). Collection method: clinical testing. Allele origin: germline.
Comment: In summary, the available evidence is currently insufficient to determine the role of this variant in disease. Therefore, it has been classified as a Variant of Uncertain Significance. This sequence change replaces leucine, which is neutral and non-polar, with valine, which is neutral and non-polar, at codon 695 of the FCHO1 protein (p.Leu695Val). This variant is not present in population databases (gnomAD no frequency). This variant has not been reported in the literature in individuals affected with FCHO1-related conditions. Algorithms developed to predict the effect of missense changes on protein structure and function are either unavailable or do not agree on the potential impact of this missense change (SIFT: "Deleterious"; PolyPhen-2: "Probably Damaging"; Align-GVGD: "Class C0").

NM_015122.3(FCHO1):c.2083C>G (p.Leu695Val)

Gene: FCHO1 (FCH and mu domain containing endocytic adaptor 1; plus strand). Cytogenetic location: 19p13.11.
Variant type: single nucleotide variant.
Coding change: c.2083C>G on transcript NM_015122.3 (MANE Select); coding-DNA position 2083, C replaced by G.
Protein change: p.Leu695Val; replaces leucine 695 with valine.
Molecular consequence: missense variant. On other transcripts: non-coding transcript variant (36).
Genome position (GRCh38, 1-based): chr19:17,783,162, C>G. VCF-style: chr19-17783162-C-G. GRCh37 (hg19) VCF-style: chr19-17893971-C-G.
Other names: c.2083C>G, p.Leu695Val (NM_001161357.2, NM_001161358.2, NM_001384370.1 and 13 more transcripts); c.1933C>G, p.Leu645Val (NM_001161359.2, NM_001384384.1, NM_001384385.1 and 1 more transcripts); c.2044C>G, p.Leu682Val (NM_001384388.1, NM_001384389.1, NM_001384405.1); c.2008C>G, p.Leu670Val (NM_001384390.1); c.1966C>G, p.Leu656Val (NM_001384392.1, NM_001384393.1, NM_001384394.1 and 1 more transcripts); c.1807C>G, p.Leu603Val (NM_001384396.1, NM_001384397.1, NM_001384398.1 and 5 more transcripts); c.1762C>G, p.Leu588Val (NM_001384403.1); c.1657C>G, p.Leu553Val (NM_001384406.1); and 1 more; short protein forms L505V, L553V, L588V, L603V, L645V, L656V, L670V, L682V.
Identifiers: ClinVar variation 1716373 (VCV001716373.4), dbSNP rs1326378093, ClinGen allele CA404756304.